The following is an entry in ClinVar:

ClinVar aggregate classification (somatic clinical impact): Tier I - Strong (1 of 4 stars; one submission).

Conditions:
Medulloblastoma WNT activated. Identifiers: MedGen C4331965, MONDO:0850196.

Submission:

Institute for Genomic Medicine (IGM) Clinical Laboratory, Nationwide Children's Hospital
Classification: Tier I - Strong for Medulloblastoma WNT activated. Assertion type: diagnostic. Clinical significance: supports diagnosis. Last evaluated: 2022-11-28. Review status: criteria provided, single submitter. Criteria: AMP/ASCO/CAP Guidelines, 2017. Collection method: clinical testing. Allele origin: somatic. Affected: yes.
Comment: Variant has Tier I (strong) clinical significance as a diagnostic inclusion criterion in medulloblastoma WNT activated, based on the following evidence: 1) Documented in one or more cancer databases (e.g., St. Jude Pecan, COSMIC, CIViC, OncoKB). 2) Appears in one or more well-established professional guidelines (e.g., World Health Organization [WHO]; National Comprehensive Cancer Network [NCCN]) as providing diagnostic, prognostic, or therapeutic information. 3) Information in the literature supports potential biologic effect of variant (PMID: 33627125). 4) Diagnostic for a specific tumor type/classification based on well-powered studies with expert-level consensus (Evidence Level B; PMIDs: 26822237, 22722829, 32553121, 31574483, 28726821).

Literature cited by the submitters: PubMed 33627125; PubMed 26822237; PubMed 22722829; PubMed 32553121; PubMed 31574483; PubMed 28726821.

NM_001356.5(DDX3X):c.671C>T (p.Ala224Val)

Gene: DDX3X (DEAD-box helicase 3 X-linked; plus strand). Cytogenetic location: Xp11.4.
Variant type: single nucleotide variant.
Coding change: c.671C>T on transcript NM_001356.5 (MANE Select); coding-DNA position 671, C replaced by T.
Protein change: p.Ala224Val; replaces alanine 224 with valine.
Molecular consequence: missense variant. On other transcripts: non-coding transcript variant (1).
Genome position (GRCh38, 1-based): chrX:41,343,343, C>T. VCF-style: chrX-41343343-C-T. GRCh37 (hg19) VCF-style: chrX-41202596-C-T.
Other names: c.113C>T, p.Ala38Val (NM_001363819.1); c.671C>T, p.Ala224Val (NM_001193416.3); c.623C>T, p.Ala208Val (NM_001193417.3); short protein forms A208V, A224V, A38V.
Identifiers: ClinVar variation 4530068 (VCV004530068.1).